The following is an entry in ClinVar:

ClinVar aggregate classification (germline): Uncertain significance. Review status: criteria provided, multiple submitters, no conflicts (2 of 4 stars). 2 submissions from 2 submitters: Uncertain significance (2). Last evaluated 2025-04-11.

Allele frequency attached by ClinVar (database versions not stated): gnomAD 0.00006.
gnomAD v4.1: 13 of 1,504,876 alleles (0.00086%); highest among the groups gnomAD compares: African/African-American, 0.016%; no homozygotes.

Submissions (2):

Ambry Genetics
Classification: Uncertain significance. Last evaluated: 2025-04-11. Review status: criteria provided, single submitter. Criteria: Ambry Variant Classification Scheme 2023. Collection method: clinical testing. Allele origin: germline.

Labcorp Genetics (formerly Invitae), Labcorp
Classification: Uncertain significance. Last evaluated: 2024-09-28. Review status: criteria provided, single submitter. Criteria: Invitae Variant Classification Sherloc (09022015). Collection method: clinical testing. Allele origin: germline.
Comment: This sequence change replaces proline, which is neutral and non-polar, with glutamine, which is neutral and polar, at codon 262 of the IRF2BP2 protein (p.Pro262Gln). This variant is present in population databases (no rsID available, gnomAD 0.02%). This variant has not been reported in the literature in individuals affected with IRF2BP2-related conditions. ClinVar contains an entry for this variant (Variation ID: 1979233). An algorithm developed to predict the effect of missense changes on protein structure and function (PolyPhen-2) suggests that this variant is likely to be tolerated. In summary, the available evidence is currently insufficient to determine the role of this variant in disease. Therefore, it has been classified as a Variant of Uncertain Significance.

NM_182972.3(IRF2BP2):c.785C>A (p.Pro262Gln)

Gene: IRF2BP2 (interferon regulatory factor 2 binding protein 2; minus strand). Cytogenetic location: 1q42.3.
Variant type: single nucleotide variant.
Coding change: c.785C>A on transcript NM_182972.3 (MANE Select); coding-DNA position 785, C replaced by A.
Protein change: p.Pro262Gln; replaces proline 262 with glutamine.
Molecular consequence: missense variant.
Genome position (GRCh38, 1-based): chr1:234,608,710, G>T on the plus strand (C>A on the coding strand, the complement: IRF2BP2 is on the minus strand). VCF-style: chr1-234608710-G-T. GRCh37 (hg19) VCF-style: chr1-234744456-G-T.
Other names: c.785C>A, p.Pro262Gln (NM_001077397.1); c.785C>A (NM_182972.2); short protein forms P262Q.
Identifiers: ClinVar variation 1979233 (VCV001979233.5), dbSNP rs1045024532, ClinGen allele CA39546301.
Genomic context (GRCh38, chr1:234,608,710, plus strand): 5'-AGCTCGGCGGCCCCGGCCGCGGTGGACAGGCTGTCGGCCGGGCCCCGGTGCGCAGGCGGC[G>T]GCGGTTGTTTCTCCTTGGCTGCCGCCTCACGCTGCTCGTGCTCCACGGCAGCGCTGCTCG-3'
Protein context (NP_892017.2, residues 252-272): REAAAKEKQP[Pro262Gln]PPAHRGPADS